The following is an entry in ClinVar:

ClinVar aggregate classification (germline): Pathogenic/Likely pathogenic. Review status: criteria provided, multiple submitters, no conflicts (2 of 4 stars). 2 submissions from 2 submitters: Pathogenic (1); Likely pathogenic (1). Last evaluated 2024-08-07.

Allele frequency attached by ClinVar (database versions not stated): gnomAD exomes below 0.00001; ExAC 0.00001.

Submissions (2):

GeneDx
Classification: Likely pathogenic. Last evaluated: 2024-08-07. Review status: criteria provided, single submitter. Criteria: GeneDx Variant Classification Process June 2021. Collection method: clinical testing. Allele origin: germline. Affected: yes.
Comment: Frameshift variant predicted to result in protein truncation or nonsense mediated decay in a gene for which loss of function is a known mechanism of disease; Not observed at significant frequency in large population cohorts (gnomAD); Has not been previously published as pathogenic or benign to our knowledge

Labcorp Genetics (formerly Invitae), Labcorp
Classification: Pathogenic. Last evaluated: 2022-06-27. Review status: criteria provided, single submitter. Criteria: Invitae Variant Classification Sherloc (09022015). Collection method: clinical testing. Allele origin: germline.
Comment: This sequence change creates a premature translational stop signal (p.Glu782Glyfs*4) in the MADD gene. It is expected to result in an absent or disrupted protein product. Loss-of-function variants in MADD are known to be pathogenic (PMID: 32761064). This variant is present in population databases (rs754892238, gnomAD 0.0009%). This variant has not been reported in the literature in individuals affected with MADD-related conditions. For these reasons, this variant has been classified as Pathogenic.

Literature cited by the submitters: PubMed 32761064 (cited by Labcorp Genetics (formerly Invitae), Labcorp).

NM_001376571.1(MADD):c.2344dup (p.Glu782fs)

Gene: MADD (MAP kinase activating death domain; plus strand). Cytogenetic location: 11p11.2.
Variant type: Duplication.
Coding change: c.2344dup on transcript NM_001376571.1 (MANE Select); coding-DNA position 2344, one base duplicated (G; older notation c.2344dupG).
Protein change: p.Glu782fs; shifts the reading frame from glutamic acid 782.
Molecular consequence: frameshift variant. On other transcripts: non-coding transcript variant (5), intron variant (55).
Genome position (GRCh38, 1-based): chr11:47,285,127, G duplicated. VCF-style (leftmost placement, unchanged base first): chr11-47285126-T-TG. GRCh37 (hg19) VCF-style: chr11-47306677-T-TG.
Other names: c.2344dup, p.Glu782fs (NM_001376572.1, NM_001376573.1, NM_001376574.1 and 33 more transcripts); c.2140dup, p.Glu714fs (NM_001376620.1, NM_001376626.1, NM_001376648.1 and 1 more transcripts); c.1678dup, p.Glu560fs (NM_001376663.1); c.2282+62dup (NM_001376651.1, NM_001376641.1, NM_001376595.1 and 43 more transcripts); c.2258+62dup (NM_001376602.1); c.2078+62dup (NM_001376627.1, NM_001376659.1, NM_001376635.1 and 5 more transcripts); c.2344dup (NM_003682.3); short protein forms E714fs, E782fs, E560fs.
Identifiers: ClinVar variation 2071007 (VCV002071007.2), dbSNP rs754892238, ClinGen allele CA5974412.